The following is an entry in ClinVar:

ClinVar aggregate classification (germline): Uncertain significance (1 of 4 stars; one submission).

Conditions:
Hereditary breast ovarian cancer syndrome. Also called: BRCA1- and BRCA2-Associated Hereditary Breast and Ovarian Cancer; Hereditary breast and ovarian cancer syndrome; Hereditary breast and ovarian cancer syndrome (HBOC); Hereditary breast and/or ovarian cancer syndrome; Breast and ovarian cancer; Hereditary breast and ovarian cancer. Identifiers: Orphanet 145, MedGen C0677776, MeSH D061325, MONDO:0003582. Disease mechanism: loss of function.

Allele frequency attached by ClinVar (database versions not stated): gnomAD exomes below 0.00001.
gnomAD v4.1: 1 of 1,614,092 alleles (0.000062%); highest among the groups gnomAD compares: South Asian, 0.0011%; no homozygotes.

Submission:

Labcorp Genetics (formerly Invitae), Labcorp
Classification: Uncertain significance for Hereditary breast ovarian cancer syndrome. Last evaluated: 2023-03-31. Review status: criteria provided, single submitter. Criteria: Invitae Variant Classification Sherloc (09022015). Collection method: clinical testing. Allele origin: germline.
Comment: In summary, the available evidence is currently insufficient to determine the role of this variant in disease. Therefore, it has been classified as a Variant of Uncertain Significance. Advanced modeling of protein sequence and biophysical properties (such as structural, functional, and spatial information, amino acid conservation, physicochemical variation, residue mobility, and thermodynamic stability) performed at Invitae indicates that this missense variant is not expected to disrupt BRCA2 protein function. ClinVar contains an entry for this variant (Variation ID: 660649). This variant has not been reported in the literature in individuals affected with BRCA2-related conditions. This variant is present in population databases (no rsID available, gnomAD 0.003%). This sequence change replaces alanine, which is neutral and non-polar, with glycine, which is neutral and non-polar, at codon 3121 of the BRCA2 protein (p.Ala3121Gly).

NM_000059.4(BRCA2):c.9362C>G (p.Ala3121Gly)

Gene: BRCA2 (BRCA2 DNA repair associated; plus strand). Cytogenetic location: 13q13.1.
Variant type: single nucleotide variant.
Coding change: c.9362C>G on transcript NM_000059.4 (MANE Select); coding-DNA position 9362, C replaced by G.
Protein change: p.Ala3121Gly; replaces alanine 3121 with glycine.
Molecular consequence: missense variant.
Genome position (GRCh38, 1-based): chr13:32,394,794, C>G. VCF-style: chr13-32394794-C-G. GRCh37 (hg19) VCF-style: chr13-32968931-C-G.
Other names: short protein forms A3121G.
Identifiers: ClinVar variation 660649 (VCV000660649.9), dbSNP rs1234300873, ClinGen allele CA387761155.